The following is an entry in ClinVar:

ClinVar aggregate classification (germline): Conflicting classifications of pathogenicity. Review status: criteria provided, conflicting classifications (1 of 4 stars). 2 submissions from 2 submitters: Likely pathogenic (1); Uncertain significance (1). Last evaluated 2025-12-24.

Conditions:
Retinal dystrophy. Also called: Inherited retinal dystrophy. Identifiers: Orphanet 71862, MedGen C0854723, MeSH D058499, MONDO:0019118, HP:0000556.

Submissions (2):

Labcorp Genetics (formerly Invitae), Labcorp
Classification: Uncertain significance. Last evaluated: 2025-12-24. Review status: criteria provided, single submitter. Criteria: Invitae Variant Classification Sherloc (09022015). Collection method: clinical testing. Allele origin: germline.
Comment: This sequence change falls in intron 4 of the PRPF31 gene. It does not directly change the encoded amino acid sequence of the PRPF31 protein. It affects a nucleotide within the consensus splice site. This variant is not present in population databases (gnomAD no frequency). This variant has been observed in individual(s) with clinical features of PRPF31-related conditions (internal data). ClinVar contains an entry for this variant (Variation ID: 3381822). Variants that disrupt the consensus splice site are a relatively common cause of aberrant splicing (PMID: 17576681, 9536098). Algorithms developed to predict the effect of sequence changes on RNA splicing suggest that this variant may disrupt the consensus splice site. In summary, the available evidence is currently insufficient to determine the role of this variant in disease. Therefore, it has been classified as a Variant of Uncertain Significance.

Ophthalmic Genetics Group, Institute of Molecular and Clinical Ophthalmology Basel
Classification: Likely pathogenic for Retinal dystrophy. Last evaluated: 2024-05-27. Review status: criteria provided, single submitter. Criteria: ACMG Guidelines, 2015. Collection method: research. Allele origin: germline. Affected: yes. Observed: 7 variant alleles.
Comment: This variant was classified as Likely pathogenic based on ACMG criteria: PM2_mod, and PP3_strong

Literature cited by the submitters: PubMed 17576681 (cited by Labcorp Genetics (formerly Invitae), Labcorp); PubMed 9536098 (cited by Labcorp Genetics (formerly Invitae), Labcorp); PubMed 40180963 (cited by Ophthalmic Genetics Group, Institute of Molecular and Clinical Ophthalmology Basel).

NM_015629.4(PRPF31):c.322+5G>A

Genes: PRPF31 (pre-mRNA processing factor 31; plus strand), PRPF31-AS1 (PRPF31 antisense RNA 1; minus strand). Cytogenetic location: 19q13.42.
Variant type: single nucleotide variant.
Coding change: c.322+5G>A on transcript NM_015629.4 (MANE Select); 5 bases into the intron after coding-DNA position 322, G replaced by A.
Molecular consequence: intron variant.
Genome position (GRCh38, 1-based): chr19:54,121,948, G>A. VCF-style: chr19-54121948-G-A. GRCh37 (hg19) VCF-style: chr19-54625327-G-A.
Other names: NC_000019.9:g.54625327G>A; NP_056444.3:p.?.
Identifiers: ClinVar variation 3381822 (VCV003381822.3).